The following is an entry in ClinVar:

NM_000257.4(MYH7):c.3941A>T (p.Asp1314Val)

Gene: MYH7 (myosin heavy chain 7; minus strand). Cytogenetic location: 14q11.2.
Variant type: single nucleotide variant.
Coding change: c.3941A>T on transcript NM_000257.4 (MANE Select); coding-DNA position 3941, A replaced by T.
Protein change: p.Asp1314Val; replaces aspartic acid 1314 with valine.
Molecular consequence: missense variant.
Genome position (GRCh38, 1-based): chr14:23,419,208, T>A on the plus strand (A>T on the coding strand, the complement: MYH7 is on the minus strand). VCF-style: chr14-23419208-T-A. GRCh37 (hg19) VCF-style: chr14-23888417-T-A.
Other names: c.3941A>T, p.Asp1314Val (NM_001407004.1); short protein forms D1314V.
Identifiers: ClinVar variation 3636009 (VCV003636009.2).

ClinVar aggregate classification (germline): Uncertain significance (1 of 4 stars; one submission).

Conditions:
Hypertrophic cardiomyopathy. Also called: HYPERTROPHIC MYOCARDIOPATHY. Identifiers: Orphanet 217569, MedGen C0007194, MeSH D002312, MONDO:0005045, HP:0001639.

Submission:

Labcorp Genetics (formerly Invitae), Labcorp
Classification: Uncertain significance for Hypertrophic cardiomyopathy. Last evaluated: 2024-02-03. Review status: criteria provided, single submitter. Criteria: Invitae Variant Classification Sherloc (09022015). Collection method: clinical testing. Allele origin: germline.
Comment: This sequence change replaces aspartic acid, which is acidic and polar, with valine, which is neutral and non-polar, at codon 1314 of the MYH7 protein (p.Asp1314Val). This variant is not present in population databases (gnomAD no frequency). This variant has not been reported in the literature in individuals affected with MYH7-related conditions. Advanced modeling of protein sequence and biophysical properties (such as structural, functional, and spatial information, amino acid conservation, physicochemical variation, residue mobility, and thermodynamic stability) performed at Invitae indicates that this missense variant is expected to disrupt MYH7 protein function with a positive predictive value of 95%. In summary, the available evidence is currently insufficient to determine the role of this variant in disease. Therefore, it has been classified as a Variant of Uncertain Significance.